The following is an entry in ClinVar:

NM_001378454.1(ALMS1):c.1609C>G (p.Leu537Val)

Gene: ALMS1 (ALMS1 centrosome and basal body associated protein; plus strand). Cytogenetic location: 2p13.1.
Variant type: single nucleotide variant.
Coding change: c.1609C>G on transcript NM_001378454.1 (MANE Select); coding-DNA position 1609, C replaced by G.
Protein change: p.Leu537Val; replaces leucine 537 with valine.
Molecular consequence: missense variant.
Genome position (GRCh38, 1-based): chr2:73,448,136, C>G. VCF-style: chr2-73448136-C-G. GRCh37 (hg19) VCF-style: chr2-73675263-C-G.
Other names: c.1612C>G, p.Leu538Val (NM_015120.4); short protein forms L538V, L537V.
Identifiers: ClinVar variation 403950 (VCV000403950.45), dbSNP rs202111717, ClinGen allele CA1713199.

ClinVar aggregate classification (germline): Conflicting classifications of pathogenicity. Review status: criteria provided, conflicting classifications (1 of 4 stars). 11 submissions from 11 submitters: Uncertain significance (7); Likely benign (4). Last evaluated 2026-01-01.

Conditions:
Retinal dystrophy. Also called: Inherited retinal dystrophy. Identifiers: Orphanet 71862, MedGen C0854723, MeSH D058499, MONDO:0019118, HP:0000556.
Alstrom syndrome (ALMS). Identifiers: Orphanet 64, MedGen C0268425, MONDO:0008763, OMIM 203800.
Cardiovascular phenotype. Identifiers: MedGen CN230736.
Monogenic diabetes. Identifiers: Orphanet 183625, MedGen C3888631, MONDO:0015967.

Allele frequency attached by ClinVar (database versions not stated): ExAC 0.00028; gnomAD exomes 0.00033 and 0.00070; gnomAD 0.00040 and 0.00041; TOPMed 0.00054; ESP Exome Variant Server 0.00058.
gnomAD v4.1: 1,068 of 1,613,882 alleles (0.066%); highest among the groups gnomAD compares: Non-Finnish European, 0.085%; 2 homozygotes.

Submissions (11):

CeGaT Center for Human Genetics Tuebingen
Classification: Likely benign. Last evaluated: 2026-01-01. Review status: criteria provided, single submitter. Criteria: CeGaT Center For Human Genetics Tuebingen Variant Classification Criteria Version 2. Collection method: clinical testing. Allele origin: germline. Affected: yes. Observed: 3 variant alleles.
Comment: ALMS1: BP4

GeneDx
Classification: Uncertain significance. Last evaluated: 2025-03-18. Review status: criteria provided, single submitter. Criteria: GeneDx Variant Classification Process June 2021. Collection method: clinical testing. Allele origin: germline. Affected: yes.
Comment: Reported in a patient with Bardet-Biedl syndrome who harbored a second variant in trans (PMID: 34716235); In silico analysis indicates that this missense variant does not alter protein structure/function; This variant is associated with the following publications: (PMID: 37541188, 34716235, 39606411)

Blueprint Genetics
Classification: Likely benign. Last evaluated: 2024-07-30. Review status: criteria provided, single submitter. Criteria: ACMG Guidelines, 2015. Collection method: clinical testing. Allele origin: germline.

Women's Health and Genetics/Laboratory Corporation of America, LabCorp
Classification: Uncertain significance. Last evaluated: 2023-10-30. Review status: criteria provided, single submitter. Criteria: LabCorp Variant Classification Summary - May 2015. Collection method: clinical testing. Allele origin: germline.
Comment: Variant summary: ALMS1 c.1606C>G (p.Leu536Val) results in a conservative amino acid change in the encoded protein sequence. Four of four in-silico tools predict a benign effect of the variant on protein function. The variant allele was found at a frequency of 0.00033 in 249302 control chromosomes. This frequency is not significantly higher than estimated for a pathogenic variant in ALMS1 causing Alstrom Syndrome With Dilated Cardiomyopathy (0.00033 vs 0.0018), allowing no conclusion about variant significance. To our knowledge, no occurrence of c.1606C>G in individuals affected with Alstrom Syndrome With Dilated Cardiomyopathy and no experimental evidence demonstrating its impact on protein function have been reported. Six submitters have cited clinical-significance assessments for this variant to ClinVar after 2014. Multiple submitters reported the variant with conflicting assessments. Based on the evidence outlined above, the variant was classified as uncertain significance.

Labcorp Genetics (formerly Invitae), Labcorp
Classification: Uncertain significance for Alstrom syndrome. Last evaluated: 2022-10-25. Review status: criteria provided, single submitter. Criteria: Invitae Variant Classification Sherloc (09022015). Collection method: clinical testing. Allele origin: germline.
Comment: This sequence change replaces leucine, which is neutral and non-polar, with valine, which is neutral and non-polar, at codon 538 of the ALMS1 protein (p.Leu538Val). This variant is present in population databases (rs202111717, gnomAD 0.06%). This variant has not been reported in the literature in individuals affected with ALMS1-related conditions. ClinVar contains an entry for this variant (Variation ID: 403950). Algorithms developed to predict the effect of missense changes on protein structure and function output the following: SIFT: "Not Available"; PolyPhen-2: "Not Available"; Align-GVGD: "Not Available". The valine amino acid residue is found in multiple mammalian species, which suggests that this missense change does not adversely affect protein function. In summary, the available evidence is currently insufficient to determine the role of this variant in disease. Therefore, it has been classified as a Variant of Uncertain Significance.

Ambry Genetics
Classification: Likely benign for Cardiovascular phenotype. Last evaluated: 2022-03-14. Review status: criteria provided, single submitter. Criteria: Ambry Variant Classification Scheme 2023. Collection method: clinical testing. Allele origin: germline.

Institute of Human Genetics, Univ. Regensburg, Univ. Regensburg
Classification: Uncertain significance for Retinal dystrophy. Last evaluated: 2022-01-01. Review status: criteria provided, single submitter. Criteria: ACMG Guidelines, 2015. Collection method: clinical testing. Allele origin: germline. Affected: yes.

Fulgent Genetics
Classification: Uncertain significance for Alstrom syndrome. Last evaluated: 2018-10-31. Review status: criteria provided, single submitter. Criteria: ACMG Guidelines, 2015. Collection method: clinical testing. Allele origin: unknown.

Eurofins Ntd Llc (ga)
Classification: Uncertain significance. Last evaluated: 2018-04-04. Review status: criteria provided, single submitter. Criteria: EGL ClinVar v180209 classification definitions. Collection method: clinical testing. Allele origin: germline. Observed: 1 variant allele, 1 heterozygote.

Personalized Diabetes Medicine Program, University of Maryland School of Medicine
Classification: Likely benign for Monogenic diabetes. Last evaluated: 2018-01-12. Review status: criteria provided, single submitter. Criteria: ACMG Guidelines, 2015. Collection method: research. Allele origin: unknown. Observed: 2 variant alleles, 2 heterozygotes.
Comment: ACMG criteria: BP4 (6 predictors), BP1 (missense when truncating are causative)=likely benign

Clinical Genomics, Uppaluri K&H Personalized Medicine Clinic
Classification: Uncertain significance for Alstrom syndrome. Review status: criteria provided, single submitter. Criteria: K & H Uppaluri Personalized Medicine Clinic Variant Classification & Assertion Criteria_Updated V.1. Collection method: research. Allele origin: unknown. Inheritance: Autosomal recessive inheritance.
Comment: Potent mutations in ALMS1 are associated with a rare condition called Alstrom syndrome. It can cause excessive eating, insulin resistance. However, no evidence is found to ascertain the role of rs202111717 in Alstrom syndrome yet.

Literature cited by the submitters: PubMed 34716235 (cited by Institute of Human Genetics, Univ. Regensburg, Univ. Regensburg); PubMed 34148947 (cited by Clinical Genomics, Uppaluri K&H Personalized Medicine Clinic); PubMed 25846608 (cited by Clinical Genomics, Uppaluri K&H Personalized Medicine Clinic); PubMed 30421101 (cited by Clinical Genomics, Uppaluri K&H Personalized Medicine Clinic); PubMed 33669459 (cited by Clinical Genomics, Uppaluri K&H Personalized Medicine Clinic).